The following is an entry in ClinVar:

NM_006084.5(IRF9):c.746G>A (p.Gly249Asp)

Gene: IRF9 (interferon regulatory factor 9; plus strand). Cytogenetic location: 14q12.
Variant type: single nucleotide variant.
Coding change: c.746G>A on transcript NM_006084.5 (MANE Select); coding-DNA position 746, G replaced by A.
Protein change: p.Gly249Asp; replaces glycine 249 with aspartic acid.
Molecular consequence: missense variant. On other transcripts: intron variant (1).
Genome position (GRCh38, 1-based): chr14:24,164,710, G>A. VCF-style: chr14-24164710-G-A. GRCh37 (hg19) VCF-style: chr14-24633919-G-A.
Other names: c.773G>A, p.Gly258Asp (NM_001385400.1, NM_001385401.1); c.650-167G>A (NM_001385402.1); short protein forms G249D, G258D.
Identifiers: ClinVar variation 2868597 (VCV002868597.3), dbSNP rs370632116, ClinGen allele CA7126556.

ClinVar aggregate classification (germline): Uncertain significance (1 of 4 stars; one submission).

Allele frequency attached by ClinVar (database versions not stated): ExAC 0.00003; gnomAD 0.00002; ESP Exome Variant Server 0.00008; TOPMed 0.00003.
gnomAD v4.1: 9 of 1,613,424 alleles (0.00056%); highest among the groups gnomAD compares: African/African-American, 0.011%; no homozygotes.

Submission:

Labcorp Genetics (formerly Invitae), Labcorp
Classification: Uncertain significance. Last evaluated: 2025-12-22. Review status: criteria provided, single submitter. Criteria: Invitae Variant Classification Sherloc (09022015). Collection method: clinical testing. Allele origin: germline.
Comment: This sequence change replaces glycine, which is neutral and non-polar, with aspartic acid, which is acidic and polar, at codon 249 of the IRF9 protein (p.Gly249Asp). This variant is present in population databases (rs370632116, gnomAD 0.03%). This variant has not been reported in the literature in individuals affected with IRF9-related conditions. ClinVar contains an entry for this variant (Variation ID: 2868597). An algorithm developed to predict the effect of missense changes on protein structure and function outputs the following: PolyPhen-2: "Benign". The aspartic acid amino acid residue is found in multiple mammalian species, which suggests that this missense change does not adversely affect protein function. In summary, the available evidence is currently insufficient to determine the role of this variant in disease. Therefore, it has been classified as a Variant of Uncertain Significance.